The following is an entry in ClinVar:

ClinVar aggregate classification (germline): Pathogenic (1 of 4 stars; one submission).

Conditions:
Polyglandular autoimmune syndrome, type 1 (APS1). Also called: Whitaker syndrome; Autoimmune polyendocrinopathy syndrome, type I; Autoimmune polyendocrine syndrome type 1; AUTOIMMUNE POLYENDOCRINE SYNDROME, TYPE I, WITH OR WITHOUT REVERSIBLE METAPHYSEAL DYSPLASIA; APS I; HYPOADRENOCORTICISM WITH HYPOPARATHYROIDISM AND SUPERFICIAL MONILIASIS. Identifiers: Orphanet 3453, MedGen C0085859, MONDO:0009411, OMIM 240300.

Submission:

Myriad Genetics, Inc.
Classification: Pathogenic for Polyglandular autoimmune syndrome, type 1. Last evaluated: 2023-08-31. Review status: criteria provided, single submitter. Criteria: Myriad Autosomal Dominant, Autosomal Recessive and X-Linked Classification Criteria (2023). Collection method: clinical testing. Allele origin: unknown.
Comment: NM_000383.3(AIRE):c.641dupT(F215Vfs*2) is expected to be pathogenic in the context of autoimmune polyglandular syndrome type 1. This variant is predicted to lead to an abnormal or absent protein product due to the creation of a premature termination codon in AIRE, a gene where loss-of-function variants are known to be pathogenic. Please note: this variant was assessed in the context of healthy population screening.

NM_000383.4(AIRE):c.641dup (p.Phe215fs)

Gene: AIRE (autoimmune regulator; plus strand). Cytogenetic location: 21q22.3.
Variant type: Duplication.
Coding change: c.641dup on transcript NM_000383.4 (MANE Select); coding-DNA position 641, one base duplicated (T; older notation c.641dupT).
Protein change: p.Phe215fs; shifts the reading frame from phenylalanine 215.
Molecular consequence: frameshift variant.
Genome position (GRCh38, 1-based): chr21:44,288,447, T duplicated. VCF-style (leftmost placement, unchanged base first): chr21-44288446-G-GT. GRCh37 (hg19) VCF-style: chr21-45708329-G-GT.
Other names: short protein forms F215fs.
Identifiers: ClinVar variation 5011503 (VCV005011503.1).